The following is an entry in ClinVar:

ClinVar aggregate classification (germline): Uncertain significance (1 of 4 stars; one submission).

gnomAD v4.1: 1 of 1,609,174 alleles (0.000062%); highest among the groups gnomAD compares: Non-Finnish European, 0.000085%; no homozygotes.

Submission:

GeneDx
Classification: Uncertain significance. Last evaluated: 2024-10-18. Review status: criteria provided, single submitter. Criteria: GeneDx Variant Classification Process June 2021. Collection method: clinical testing. Allele origin: germline. Affected: yes.
Comment: Not observed at significant frequency in large population cohorts (gnomAD); In silico analysis supports that this missense variant has a deleterious effect on protein structure/function; Has not been previously published as pathogenic or benign to our knowledge

NM_001009944.3(PKD1):c.8756G>T (p.Gly2919Val)

Gene: PKD1 (polycystin 1, transient receptor potential channel interacting; minus strand). Cytogenetic location: 16p13.3.
Variant type: single nucleotide variant.
Coding change: c.8756G>T on transcript NM_001009944.3 (MANE Select); coding-DNA position 8756, G replaced by T.
Protein change: p.Gly2919Val; replaces glycine 2919 with valine.
Molecular consequence: missense variant.
Genome position (GRCh38, 1-based): chr16:2,103,301, C>A on the plus strand (G>T on the coding strand, the complement: PKD1 is on the minus strand). VCF-style: chr16-2103301-C-A. GRCh37 (hg19) VCF-style: chr16-2153302-C-A.
Other names: c.8756G>T, p.Gly2919Val (NM_000296.4); short protein forms G2919V.
Identifiers: ClinVar variation 3781021 (VCV003781021.1).